The following is an entry in ClinVar:

NM_006767.4(LZTR1):c.1385T>C (p.Ile462Thr)

Gene: LZTR1 (leucine zipper like post translational regulator 1; plus strand). Cytogenetic location: 22q11.21.
Variant type: single nucleotide variant.
Coding change: c.1385T>C on transcript NM_006767.4 (MANE Select); coding-DNA position 1385, T replaced by C.
Protein change: p.Ile462Thr; replaces isoleucine 462 with threonine.
Molecular consequence: missense variant.
Genome position (GRCh38, 1-based): chr22:20,993,955, T>C. VCF-style: chr22-20993955-T-C. GRCh37 (hg19) VCF-style: chr22-21348244-T-C.
Other names: short protein forms I462T.
Identifiers: ClinVar variation 549756 (VCV000549756.17), dbSNP rs147684991, ClinGen allele CA10118867.

ClinVar aggregate classification (germline): Uncertain significance. Review status: criteria provided, multiple submitters, no conflicts (2 of 4 stars). 6 submissions from 6 submitters: Uncertain significance (6). Last evaluated 2026-08-06.

Conditions:
Cardiovascular phenotype. Identifiers: MedGen CN230736.
Hereditary cancer-predisposing syndrome. Also called: Neoplastic Syndromes, Hereditary; Tumor predisposition; Hereditary Cancer Syndrome; Hereditary neoplastic syndrome. Identifiers: Orphanet 140162, MedGen C0027672, MeSH D009386, MONDO:0015356.
Noonan syndrome 10 (NS10). Identifiers: Orphanet 648, MedGen C4225280, MONDO:0014693, OMIM 616564.
Noonan syndrome 2 (NS2). Identifiers: Orphanet 648, MedGen C1854469, MONDO:0011531, OMIM 605275.

Allele frequency attached by ClinVar (database versions not stated): ExAC 0.00002; gnomAD 0.00003; TOPMed 0.00006; gnomAD exomes 0.00001.
gnomAD v4.1: 20 of 1,612,694 alleles (0.0012%); highest among the groups gnomAD compares: Middle Eastern, 0.017%; no homozygotes.

Submissions (6):

OLLIN Analises Genomicas, OLLIN
Classification: Uncertain significance for Noonan syndrome 10. Last evaluated: 2026-08-06. Review status: criteria provided, single submitter. Criteria: ACMG Guidelines 2015 PMID 25741868. Collection method: clinical testing. Allele origin: germline. Inheritance: Autosomal dominant inheritance.
Comment: This missense variant, located in exon 13 (of 21), has been reported in ClinVar (accession VCV000549756.15) and in gnomAD with an allele frequency of 0.0012%. However, to our knowledge, it has not been reported in the scientific literature. In silico analysis predicts that this variant has a deleterious effect. According to the currently available evidence, this variant has been classified as uncertain significance (PM2_P, PM3, PP3).

Labcorp Genetics (formerly Invitae), Labcorp
Classification: Uncertain significance. Last evaluated: 2025-11-25. Review status: criteria provided, single submitter. Criteria: Invitae Variant Classification Sherloc (09022015). Collection method: clinical testing. Allele origin: germline.
Comment: This sequence change replaces isoleucine, which is neutral and non-polar, with threonine, which is neutral and polar, at codon 462 of the LZTR1 protein (p.Ile462Thr). This variant is present in population databases (rs147684991, gnomAD 0.01%). This missense change has been observed in individual(s) with clinical features of autosomal recessive Noonan syndrome (PMID: 30859559). ClinVar contains an entry for this variant (Variation ID: 549756). Invitae Evidence Modeling of protein sequence and biophysical properties (such as structural, functional, and spatial information, amino acid conservation, physicochemical variation, residue mobility, and thermodynamic stability) indicates that this missense variant is not expected to disrupt LZTR1 protein function with a negative predictive value of 80%. In summary, the available evidence is currently insufficient to determine the role of this variant in disease. Therefore, it has been classified as a Variant of Uncertain Significance.

Women's Health and Genetics/Laboratory Corporation of America, LabCorp
Classification: Uncertain significance. Last evaluated: 2025-06-09. Review status: criteria provided, single submitter. Criteria: LabCorp Variant Classification Summary - May 2015. Collection method: clinical testing. Allele origin: germline.
Comment: Variant summary: LZTR1 c.1385T>C (p.Ile462Thr) results in a non-conservative amino acid change in the encoded protein sequence. Algorithms developed to predict the effect of missense changes on protein structure and function all suggest that this variant is likely to be disruptive. The variant allele was found at a frequency of 1.6e-05 in 247974 control chromosomes. The available data on variant occurrences in the general population are insufficient to allow any conclusion about variant significance. c.1385T>C has been observed in individual(s) affected with autosomal reessive Noonan Syndrome 2 (Pagnamenta_2019). These report(s) do not provide unequivocal conclusions about association of the variant with Noonan Syndrome 2. To our knowledge, no experimental evidence demonstrating an impact on protein function has been reported. The following publication has been ascertained in the context of this evaluation (PMID: 30859559). ClinVar contains an entry for this variant (Variation ID: 549756). Based on the evidence outlined above, the variant was classified as uncertain significance.

Ambry Genetics
Classification: Uncertain significance for Cardiovascular phenotype; Hereditary cancer-predisposing syndrome. Last evaluated: 2025-05-29. Review status: criteria provided, single submitter. Criteria: Ambry Variant Classification Scheme 2023. Collection method: clinical testing. Allele origin: germline.
Comment: The p.I462T variant (also known as c.1385T>C), located in coding exon 13 of the LZTR1 gene, results from a T to C substitution at nucleotide position 1385. The isoleucine at codon 462 is replaced by threonine, an amino acid with similar properties. This amino acid position is highly conserved in available vertebrate species. In addition, this alteration is predicted to be deleterious by in silico analysis. Based on the available evidence, the clinical significance of this variant remains unclear.

GeneDx
Classification: Uncertain significance. Last evaluated: 2024-03-15. Review status: criteria provided, single submitter. Criteria: GeneDx Variant Classification Process June 2021. Collection method: clinical testing. Allele origin: germline.
Comment: Observed in the compound heterozygous state with a second missense variant in an individual with suspected Noonan syndrome (PMID: 30859559); In silico analysis supports that this missense variant has a deleterious effect on protein structure/function; Not observed at significant frequency in large population cohorts (gnomAD); This variant is associated with the following publications: (PMID: 34113392, 35840934, 30859559)

Clinical and Biomedical Sciences, University of Exeter
Classification: Uncertain significance for Noonan syndrome 2. Last evaluated: 2018-07-02. Review status: criteria provided, single submitter. Criteria: ACMG Guidelines, 2015. Collection method: research. Allele origin: paternal. Affected: yes. Observed: 1 variant allele.

Literature cited by the submitters: PubMed 30859559 (cited by 3 submitters).